The following is an entry in ClinVar:

NM_022437.3(ABCG8):c.1115C>A (p.Thr372Asn)

Gene: ABCG8 (ATP binding cassette subfamily G member 8; plus strand). Cytogenetic location: 2p21.
Variant type: single nucleotide variant.
Coding change: c.1115C>A on transcript NM_022437.3 (MANE Select); coding-DNA position 1115, C replaced by A.
Protein change: p.Thr372Asn; replaces threonine 372 with asparagine.
Molecular consequence: missense variant.
Genome position (GRCh38, 1-based): chr2:43,872,126, C>A. VCF-style: chr2-43872126-C-A. GRCh37 (hg19) VCF-style: chr2-44099265-C-A.
Other names: c.1115C>A (NM_022437.2); c.1115C>A, p.Thr372Asn (NM_001357321.2); short protein forms T372N.
Identifiers: ClinVar variation 1373741 (VCV001373741.5), dbSNP rs756606650, ClinGen allele CA1637284.

ClinVar aggregate classification (germline): Uncertain significance. Review status: criteria provided, multiple submitters, no conflicts (2 of 4 stars). 3 submissions from 3 submitters: Uncertain significance (3). Last evaluated 2024-07-26.

Conditions:
Cardiovascular phenotype. Identifiers: MedGen CN230736.
Sitosterolemia 1. Identifiers: MedGen C2749759, MONDO:0020747, OMIM 210250.

Allele frequency attached by ClinVar (database versions not stated): gnomAD exomes 0.00004; gnomAD 0.00011 and 0.00013; ExAC 0.00003; TOPMed 0.00005.
gnomAD v4.1: 39 of 1,613,980 alleles (0.0024%); highest among the groups gnomAD compares: Admixed American, 0.037%; 1 homozygote.

Submissions (3):

Revvity Omics, Revvity
Classification: Uncertain significance for Sitosterolemia 1. Last evaluated: 2024-07-26. Review status: criteria provided, single submitter. Criteria: ACMG Guidelines, 2015. Collection method: clinical testing. Allele origin: germline.

Ambry Genetics
Classification: Uncertain significance for Cardiovascular phenotype. Last evaluated: 2024-06-06. Review status: criteria provided, single submitter. Criteria: Ambry Variant Classification Scheme 2023. Collection method: clinical testing. Allele origin: germline.
Comment: The p.T372N variant (also known as c.1115C>A), located in coding exon 7 of the ABCG8 gene, results from a C to A substitution at nucleotide position 1115. The threonine at codon 372 is replaced by asparagine, an amino acid with similar properties. This amino acid position is conserved. In addition, this alteration is predicted to be tolerated by in silico analysis. Based on the available evidence, the clinical significance of this variant remains unclear.

Labcorp Genetics (formerly Invitae), Labcorp
Classification: Uncertain significance. Last evaluated: 2021-09-19. Review status: criteria provided, single submitter. Criteria: Invitae Variant Classification Sherloc (09022015). Collection method: clinical testing. Allele origin: germline.
Comment: This sequence change replaces threonine with asparagine at codon 372 of the ABCG8 protein (p.Thr372Asn). The threonine residue is moderately conserved and there is a small physicochemical difference between threonine and asparagine. This variant is present in population databases (rs756606650, ExAC 0.01%). This variant has not been reported in the literature in individuals affected with ABCG8-related conditions. Algorithms developed to predict the effect of missense changes on protein structure and function (SIFT, PolyPhen-2, Align-GVGD) all suggest that this variant is likely to be tolerated. In summary, the available evidence is currently insufficient to determine the role of this variant in disease. Therefore, it has been classified as a Variant of Uncertain Significance.